The following is an entry in ClinVar:

ClinVar aggregate classification (germline): Conflicting classifications of pathogenicity. Review status: criteria provided, conflicting classifications (1 of 4 stars). 2 submissions from 2 submitters: Uncertain significance (1); Likely benign (1). Last evaluated 2025-11-18.

Conditions:
Pseudohypoaldosteronism type 2B (PHA2B). Also called: Pseudohypoaldosteronism Type IIB. Identifiers: Orphanet 757, Orphanet 88939, MedGen C1840390, MONDO:0013777, OMIM 614491.

Allele frequency attached by ClinVar (database versions not stated): ExAC 0.00002; gnomAD exomes 0.00003 and 0.00016; TOPMed 0.00006; gnomAD 0.00009.

Submissions (2):

Labcorp Genetics (formerly Invitae), Labcorp
Classification: Uncertain significance. Last evaluated: 2025-11-18. Review status: criteria provided, single submitter. Criteria: Invitae Variant Classification Sherloc (09022015). Collection method: clinical testing. Allele origin: germline.
Comment: This sequence change replaces glutamic acid, which is acidic and polar, with glycine, which is neutral and non-polar, at codon 766 of the WNK4 protein (p.Glu766Gly). This variant is present in population databases (rs778394259, gnomAD 0.02%). This variant has not been reported in the literature in individuals affected with WNK4-related conditions. ClinVar contains an entry for this variant (Variation ID: 891835). Experimental studies and prediction algorithms are not available or were not evaluated, and the functional significance of this variant is currently unknown. In summary, the available evidence is currently insufficient to determine the role of this variant in disease. Therefore, it has been classified as a Variant of Uncertain Significance.

Illumina Laboratory Services, Illumina
Classification: Likely benign for Pseudohypoaldosteronism type 2B. Last evaluated: 2018-01-13. Review status: criteria provided, single submitter. Criteria: ICSL Variant Classification Criteria 13 December 2019. Collection method: clinical testing. Allele origin: germline.
Comment: This variant was observed in the ICSL laboratory as part of a predisposition screen in an ostensibly healthy population. It had not been previously curated by ICSL or reported in the Human Gene Mutation Database (HGMD: prior to June 1st, 2018), and was therefore a candidate for classification through an automated scoring system. Utilizing variant allele frequency, disease prevalence and penetrance estimates, and inheritance mode, an automated score was calculated to assess if this variant is too frequent to cause the disease. Based on the score and internal cut-off values, a variant classified as likely benign is not then subjected to further curation. The score for this variant resulted in a classification of likely benign for this disease.

NM_032387.5(WNK4):c.2297A>G (p.Glu766Gly)

Gene: WNK4 (WNK lysine deficient protein kinase 4; plus strand). Cytogenetic location: 17q21.2.
Variant type: single nucleotide variant.
Coding change: c.2297A>G on transcript NM_032387.5 (MANE Select); coding-DNA position 2297, A replaced by G.
Protein change: p.Glu766Gly; replaces glutamic acid 766 with glycine.
Molecular consequence: missense variant.
Genome position (GRCh38, 1-based): chr17:42,794,615, A>G. VCF-style: chr17-42794615-A-G. GRCh37 (hg19) VCF-style: chr17-40946633-A-G.
Other names: c.1289A>G, p.Glu430Gly (NM_001321299.2); short protein forms E430G, E766G.
Identifiers: ClinVar variation 891835 (VCV000891835.5), dbSNP rs778394259, ClinGen allele CA8584345.